The following is an entry in ClinVar:

NM_000215.4(JAK3):c.2754_2755delinsGC (p.Ala919Pro)

Gene: JAK3 (Janus kinase 3; minus strand). Cytogenetic location: 19p13.11.
Variant type: Indel.
Coding change: c.2754_2755delinsGC on transcript NM_000215.4 (MANE Select); coding-DNA positions 2754 to 2755, CG replaced by GC.
Protein change: p.Ala919Pro; replaces alanine 919 with proline.
Molecular consequence: missense variant.
Genome position (GRCh38, 1-based): chr19:17,831,724-17,831,725, CG replaced by GC on the plus strand (CG replaced by GC on the coding strand, the reverse complement: JAK3 is on the minus strand). VCF-style: chr19-17831724-CG-GC. GRCh37 (hg19) VCF-style: chr19-17942533-CG-GC.
Other names: short protein forms A919P.
Identifiers: ClinVar variation 1492650 (VCV001492650.3), dbSNP rs2147676832, ClinGen allele CA2573156179.

ClinVar aggregate classification (germline): Uncertain significance (1 of 4 stars; one submission).

Conditions:
T-B+ severe combined immunodeficiency due to JAK3 deficiency. Also called: SCID, autosomal recessive, T-negative/B-positive type; SCID, T CELL-NEGATIVE, B CELL-POSITIVE, NK CELL-NEGATIVE. Identifiers: Orphanet 35078, MedGen C1833275, MONDO:0010938, OMIM 600802.

Submission:

Labcorp Genetics (formerly Invitae), Labcorp
Classification: Uncertain significance for T-B+ severe combined immunodeficiency due to JAK3 deficiency. Last evaluated: 2022-10-28. Review status: criteria provided, single submitter. Criteria: Invitae Variant Classification Sherloc (09022015). Collection method: clinical testing. Allele origin: germline.
Comment: This sequence change replaces alanine, which is neutral and non-polar, with proline, which is neutral and non-polar, at codon 919 of the JAK3 protein (p.Ala919Pro). Information on the frequency of this variant in the gnomAD database is not available, as this variant may be reported differently in the database. This variant has not been reported in the literature in individuals affected with JAK3-related conditions. ClinVar contains an entry for this variant (Variation ID: 1492650). Experimental studies and prediction algorithms are not available or were not evaluated, and the functional significance of this variant is currently unknown. In summary, the available evidence is currently insufficient to determine the role of this variant in disease. Therefore, it has been classified as a Variant of Uncertain Significance.